The following is an entry in ClinVar:

ClinVar aggregate classification (germline): Uncertain significance (1 of 4 stars; one submission).

Conditions:
Neurodevelopmental disorder with epilepsy and hypoplasia of the corpus callosum. Identifiers: MedGen C4748137, MONDO:0060761, OMIM 618090.

gnomAD v4.1: 1 of 152,012 alleles (0.00066%); highest among the groups gnomAD compares: Non-Finnish European, 0.0015%; no homozygotes.

Submission:

Broad Center for Mendelian Genomics, Broad Institute of MIT and Harvard
Classification: Uncertain significance for Neurodevelopmental disorder with epilepsy and hypoplasia of the corpus callosum. Last evaluated: 2026-03-04. Review status: criteria provided, single submitter. Criteria: ACMG Guidelines, 2015. Collection method: research. Allele origin: germline. Inheritance: Autosomal recessive inheritance. Study: GREGoR Consortium.
Comment: The c.707-328C>G variant in LNPK has not been previously reported in individuals with neurodevelopmental disorder with epilepsy and hypoplasia of the corpus callosum, but has been identified in 0.001% (1/68014) of European (non-Finnish) chromosomes by gnomAD. A high-throughput splicing assay confirmed the incorporation of a pseudoexon leading to frameshift, which would then lead to an abnormal or absent protein. Loss of function of the LNPK gene is an established disease mechanism in autosomal recessive neurodevelopmental disorder with epilepsy and hypoplasia of the corpus callosum. In summary, although additional studies are required to fully establish its clinical significance, this variant meets criteria to be classified as likely pathogenic for autosomal recessive neurodevelopmental disorder with epilepsy and hypoplasia of the corpus callosum. ACMG/AMP Criteria applied: PM3, PVS1_moderate, PM2_supporting.

NM_030650.3(LNPK):c.707-328C>G

Gene: LNPK (lunapark, ER junction formation factor; minus strand). Cytogenetic location: 2q31.1.
Variant type: single nucleotide variant.
Coding change: c.707-328C>G on transcript NM_030650.3 (MANE Select); 328 bases into the intron before coding-DNA position 707, C replaced by G.
Molecular consequence: intron variant.
Genome position (GRCh38, 1-based): chr2:175,939,985, G>C on the plus strand (C>G on the coding strand, the complement: LNPK is on the minus strand). VCF-style: chr2-175939985-G-C. GRCh37 (hg19) VCF-style: chr2-176804713-G-C.
Other names: NR_130941.2:n.1225-328C>G; c.338-328C>G (NM_001305011.2); c.713-328C>G (NM_001305010.1); c.800-328C>G (NM_001305009.1); c.905-328C>G (NM_001305008.1).
Identifiers: ClinVar variation 4819571 (VCV004819571.1).